The following is an entry in ClinVar:

ClinVar aggregate classification (germline): Conflicting classifications of pathogenicity. Review status: criteria provided, conflicting classifications (1 of 4 stars). 6 submissions from 6 submitters: Uncertain significance (1); Likely benign (4). 1 of the submissions does not count toward it. Last evaluated 2026-01-27.

Conditions:
Very long chain acyl-CoA dehydrogenase deficiency (ACADVLD). Also called: VLCAD Deficiency; Very Long-Chain Acyl-Coenzyme A Dehydrogenase Deficiency. Identifiers: Orphanet 26793, MedGen C3887523, MONDO:0008723, OMIM 201475.
Inborn genetic diseases. Identifiers: MedGen C0950123, MeSH D030342.

Allele frequency attached by ClinVar (database versions not stated): gnomAD 0.00001; ExAC 0.00003; gnomAD exomes 0.00003; TOPMed 0.00003.
gnomAD v4.1: 32 of 1,613,730 alleles (0.002%); highest among the groups gnomAD compares: Middle Eastern, 0.18%; no homozygotes.

Submissions (6):

Labcorp Genetics (formerly Invitae), Labcorp
Classification: Likely benign for Very long chain acyl-CoA dehydrogenase deficiency. Last evaluated: 2026-01-27. Review status: criteria provided, single submitter. Criteria: Invitae Variant Classification Sherloc (09022015). Collection method: clinical testing. Allele origin: germline.

Blueprint Genetics
Classification: Likely benign. Last evaluated: 2024-03-15. Review status: criteria provided, single submitter. Criteria: ACMG Guidelines, 2015. Collection method: clinical testing. Allele origin: germline.

CeGaT Center for Human Genetics Tuebingen
Classification: Likely benign. Last evaluated: 2023-05-01. Review status: criteria provided, single submitter. Criteria: CeGaT Center For Human Genetics Tuebingen Variant Classification Criteria Version 2. Collection method: clinical testing. Allele origin: germline. Affected: yes. Observed: 1 variant allele.
Comment: ACADVL: BP4, BP7

Genome-Nilou Lab
Classification: Uncertain significance for Very long chain acyl-CoA dehydrogenase deficiency. Last evaluated: 2021-07-14. Review status: criteria provided, single submitter. Criteria: ACMG Guidelines, 2015. Collection method: clinical testing. Allele origin: germline. Affected: no.

Ambry Genetics
Classification: Likely benign for Inborn genetic diseases. Last evaluated: 2019-09-08. Review status: criteria provided, single submitter. Criteria: Ambry Variant Classification Scheme 2023. Collection method: clinical testing. Allele origin: germline.

Natera, Inc.
Classification: Likely benign for Very long chain acyl-CoA dehydrogenase deficiency. Last evaluated: 2020-10-16. Review status: no assertion criteria provided. Collection method: clinical testing. Allele origin: germline. Not counted in ClinVar's aggregate classification.

NM_000018.4(ACADVL):c.1575C>A (p.Val525=)

Gene: ACADVL (acyl-CoA dehydrogenase very long chain; plus strand). Cytogenetic location: 17p13.1.
Variant type: single nucleotide variant.
Coding change: c.1575C>A on transcript NM_000018.4 (MANE Select); coding-DNA position 1575, C replaced by A.
Protein change: p.Val525=; no amino-acid change (valine 525 retained).
Molecular consequence: synonymous variant.
Genome position (GRCh38, 1-based): chr17:7,224,363, C>A. VCF-style: chr17-7224363-C-A. GRCh37 (hg19) VCF-style: chr17-7127682-C-A.
Other names: c.1575C>A (NM_000018.2); c.1509C>A, p.Val503= (NM_001033859.3); c.1644C>A, p.Val548= (NM_001270447.2); c.1347C>A, p.Val449= (NM_001270448.2).
Identifiers: ClinVar variation 784756 (VCV000784756.48), dbSNP rs745996278, ClinGen allele CA8338157.
Genomic context (GRCh38, chr17:7,224,363, plus strand): 5'-TCTCCCTCTTCCTCTCAGGCGGGCAGGGCTGGGCAGCGGCCTGAGTCTCAGCGGACTTGT[C>A]CACCCGGAGTTGAGTCGGAGTGGCGAGCTGGTAAGTGGCCAGGGGTCCAGGAGAGCCTGC-3'
Protein context (NP_000009.1, residues 515-535): LGSGLSLSGL[Val525=]HPELSRSGEL